The following is an entry in ClinVar:

NM_000789.4(ACE):c.3205G>A (p.Val1069Ile)

Gene: ACE (angiotensin I converting enzyme; plus strand). Cytogenetic location: 17q23.3.
Variant type: single nucleotide variant.
Coding change: c.3205G>A on transcript NM_000789.4 (MANE Select); coding-DNA position 3205, G replaced by A.
Protein change: p.Val1069Ile; replaces valine 1069 with isoleucine.
Molecular consequence: missense variant. On other transcripts: non-coding transcript variant (1).
Genome position (GRCh38, 1-based): chr17:63,493,990, G>A. VCF-style: chr17-63493990-G-A. GRCh37 (hg19) VCF-style: chr17-61571351-G-A.
Other names: c.1483G>A, p.Val495Ile (NM_001178057.2, NM_152830.3); c.2638G>A, p.Val880Ile (NM_001382700.1); c.2353G>A, p.Val785Ile (NM_001382701.1); c.943G>A, p.Val315Ile (NM_001382702.1); short protein forms V880I, V315I, V495I, V1069I, V785I.
Identifiers: ClinVar variation 2054562 (VCV002054562.5), dbSNP rs147763588, ClinGen allele CA8700406.

ClinVar aggregate classification (germline): Conflicting classifications of pathogenicity. Review status: criteria provided, conflicting classifications (1 of 4 stars). 2 submissions from 2 submitters: Uncertain significance (1); Likely benign (1). Last evaluated 2022-07-12.

Conditions:
Inborn genetic diseases. Identifiers: MedGen C0950123, MeSH D030342.

Allele frequency attached by ClinVar (database versions not stated): gnomAD exomes 0.00001; TOPMed 0.00003; gnomAD 0.00002; ExAC 0.00003; ESP Exome Variant Server 0.00008.
gnomAD v4.1: 14 of 1,613,930 alleles (0.00087%); highest among the groups gnomAD compares: East Asian, 0.0045%; no homozygotes.

Submissions (2):

Labcorp Genetics (formerly Invitae), Labcorp
Classification: Uncertain significance. Last evaluated: 2022-07-12. Review status: criteria provided, single submitter. Criteria: Invitae Variant Classification Sherloc (09022015). Collection method: clinical testing. Allele origin: germline.
Comment: In summary, the available evidence is currently insufficient to determine the role of this variant in disease. Therefore, it has been classified as a Variant of Uncertain Significance. Algorithms developed to predict the effect of missense changes on protein structure and function output the following: SIFT: "Tolerated"; PolyPhen-2: "Benign"; Align-GVGD: "Class C0". The isoleucine amino acid residue is found in multiple mammalian species, which suggests that this missense change does not adversely affect protein function. This variant has not been reported in the literature in individuals affected with ACE-related conditions. This variant is present in population databases (rs147763588, gnomAD 0.02%). This sequence change replaces valine, which is neutral and non-polar, with isoleucine, which is neutral and non-polar, at codon 1069 of the ACE protein (p.Val1069Ile).

Ambry Genetics
Classification: Likely benign for Inborn genetic diseases. Last evaluated: 2021-06-22. Review status: criteria provided, single submitter. Criteria: Ambry Variant Classification Scheme 2023. Collection method: clinical testing. Allele origin: germline.